The following is an entry in ClinVar:

ClinVar aggregate classification (germline): Likely benign (1 of 4 stars; one submission).

Allele frequency attached by ClinVar (database versions not stated): gnomAD 0.01297; TOPMed 0.01427; 1000 Genomes Project 0.01518; 1000 Genomes Project 30x 0.01499.
gnomAD v4.1: 1,982 of 152,202 alleles (1.3%); highest among the groups gnomAD compares: African/African-American, 4.2%; 33 homozygotes.

Submission:

GeneDx
Classification: Likely benign. Last evaluated: 2018-06-16. Review status: criteria provided, single submitter. Criteria: GeneDx Variant Classification (06012015). Collection method: clinical testing. Allele origin: germline. Affected: yes.
Comment: This variant is considered likely benign or benign based on one or more of the following criteria: it is a conservative change, it occurs at a poorly conserved position in the protein, it is predicted to be benign by multiple in silico algorithms, and/or has population frequency not consistent with disease.

NM_133642.5(LARGE1):c.2074-265G>A

Gene: LARGE1 (LARGE xylosyl- and glucuronyltransferase 1; minus strand). Cytogenetic location: 22q12.3.
Variant type: single nucleotide variant.
Coding change: c.2074-265G>A on transcript NM_133642.5 (MANE Select); 265 bases into the intron before coding-DNA position 2074, G replaced by A.
Molecular consequence: intron variant.
Genome position (GRCh38, 1-based): chr22:33,274,889, C>T on the plus strand (G>A on the coding strand, the complement: LARGE1 is on the minus strand). VCF-style: chr22-33274889-C-T. GRCh37 (hg19) VCF-style: chr22-33670875-C-T.
Other names: c.2074-265G>A (NM_001362953.2, NM_001362949.2, NM_001362951.2 and 4 more transcripts); c.1927-265G>A (NM_001378627.1, NM_001378628.1); c.1918-265G>A (NM_001378629.1); c.1168-265G>A (NM_001378631.1); c.1471-265G>A (NM_001378630.1).
Identifiers: ClinVar variation 673870 (VCV000673870.1), dbSNP rs16992044, ClinGen allele CA323707838.